The following is an entry in ClinVar:

ClinVar aggregate classification (germline): Uncertain significance. Review status: criteria provided, multiple submitters, no conflicts (2 of 4 stars). 2 submissions from 2 submitters: Uncertain significance (2). Last evaluated 2025-11-25.

Allele frequency attached by ClinVar (database versions not stated): gnomAD exomes below 0.00001; ExAC 0.00002; TOPMed 0.00002; 1000 Genomes Project 30x 0.00016; 1000 Genomes Project 0.00020.

Submissions (2):

Ambry Genetics
Classification: Uncertain significance. Last evaluated: 2025-11-25. Review status: criteria provided, single submitter. Criteria: Ambry Variant Classification Scheme 2023. Collection method: clinical testing. Allele origin: germline.
Comment: The p.G3A variant (also known as c.8G>C), located in coding exon 1 of the FAM175A gene, results from a G to C substitution at nucleotide position 8. The glycine at codon 3 is replaced by alanine, an amino acid with similar properties. This amino acid position is conserved. In addition, this alteration is predicted to be tolerated by in silico analysis. Since supporting evidence is limited at this time, the clinical significance of this alteration remains unclear.

Labcorp Genetics (formerly Invitae), Labcorp
Classification: Uncertain significance. Last evaluated: 2023-10-16. Review status: criteria provided, single submitter. Criteria: Invitae Variant Classification Sherloc (09022015). Collection method: clinical testing. Allele origin: germline.
Comment: This sequence change replaces glycine, which is neutral and non-polar, with alanine, which is neutral and non-polar, at codon 3 of the ABRAXAS1 protein (p.Gly3Ala). This variant is present in population databases (rs200197238, gnomAD 0.002%). This variant has not been reported in the literature in individuals affected with ABRAXAS1-related conditions. ClinVar contains an entry for this variant (Variation ID: 1005848). An algorithm developed to predict the effect of missense changes on protein structure and function (PolyPhen-2) suggests that this variant is likely to be disruptive. In summary, the available evidence is currently insufficient to determine the role of this variant in disease. Therefore, it has been classified as a Variant of Uncertain Significance.

NM_139076.3(ABRAXAS1):c.8G>C (p.Gly3Ala)

Genes: ABRAXAS1 (abraxas 1, BRCA1 A complex subunit; minus strand), LOC129992784 (ATAC-STARR-seq lymphoblastoid silent region 15542; plus strand). Cytogenetic location: 4q21.23.
Variant type: single nucleotide variant.
Coding change: c.8G>C on transcript NM_139076.3 (MANE Select); coding-DNA position 8, G replaced by C.
Protein change: p.Gly3Ala; replaces glycine 3 with alanine.
Molecular consequence: missense variant. On other transcripts: 5 prime UTR variant (1).
Genome position (GRCh38, 1-based): chr4:83,485,065, C>G on the plus strand (G>C on the coding strand, the complement: ABRAXAS1 is on the minus strand). VCF-style: chr4-83485065-C-G. GRCh37 (hg19) VCF-style: chr4-84406218-C-G.
Other names: c.-253G>C (NM_001345962.2); short protein forms G3A.
Identifiers: ClinVar variation 1005848 (VCV001005848.12), dbSNP rs200197238, ClinGen allele CA2990694.